The following is an entry in ClinVar:

NM_000222.3(KIT):c.2438T>A (p.Leu813Gln)

Gene: KIT (KIT proto-oncogene, receptor tyrosine kinase; plus strand). Cytogenetic location: 4q12.
Variant type: single nucleotide variant.
Coding change: c.2438T>A on transcript NM_000222.3 (MANE Select); coding-DNA position 2438, T replaced by A.
Protein change: p.Leu813Gln; replaces leucine 813 with glutamine.
Molecular consequence: missense variant.
Genome position (GRCh38, 1-based): chr4:54,733,146, T>A. VCF-style: chr4-54733146-T-A. GRCh37 (hg19) VCF-style: chr4-55599312-T-A.
Other names: c.2426T>A, p.Leu809Gln (NM_001093772.2, NM_001385292.1); c.2441T>A, p.Leu814Gln (NM_001385284.1); c.2435T>A, p.Leu812Gln (NM_001385285.1); c.2423T>A, p.Leu808Gln (NM_001385286.1); c.2429T>A, p.Leu810Gln (NM_001385288.1); c.2438T>A, p.Leu813Gln (NM_001385290.1); short protein forms L813Q, L814Q, L812Q, L808Q, L810Q, L809Q.
Identifiers: ClinVar variation 3288763 (VCV003288763.1).

ClinVar aggregate classification (germline): Uncertain significance (1 of 4 stars; one submission).

Conditions:
Hereditary cancer-predisposing syndrome. Also called: Tumor predisposition; Hereditary Cancer Syndrome; Hereditary neoplastic syndrome; Neoplastic Syndromes, Hereditary. Identifiers: Orphanet 140162, MedGen C0027672, MeSH D009386, MONDO:0015356.

Submission:

Ambry Genetics
Classification: Uncertain significance for Hereditary cancer-predisposing syndrome. Last evaluated: 2024-05-31. Review status: criteria provided, single submitter. Criteria: Ambry Variant Classification Scheme 2023. Collection method: clinical testing. Allele origin: germline.
Comment: The p.L813Q variant (also known as c.2438T>A), located in coding exon 17 of the KIT gene, results from a T to A substitution at nucleotide position 2438. The leucine at codon 813 is replaced by glutamine, an amino acid with dissimilar properties. This amino acid position is conserved. In addition, this alteration is predicted to be deleterious by in silico analysis. Based on the available evidence, the clinical significance of this variant remains unclear.